The following is an entry in ClinVar:

NM_001273.5(CHD4):c.1243-6C>T

Gene: CHD4 (chromodomain helicase DNA binding protein 4; minus strand). Cytogenetic location: 12p13.31.
Variant type: single nucleotide variant.
Coding change: c.1243-6C>T on transcript NM_001273.5 (MANE Select); 6 bases into the intron before coding-DNA position 1243, C replaced by T.
Molecular consequence: intron variant.
Genome position (GRCh38, 1-based): chr12:6,600,018, G>A on the plus strand (C>T on the coding strand, the complement: CHD4 is on the minus strand). VCF-style: chr12-6600018-G-A. GRCh37 (hg19) VCF-style: chr12-6709184-G-A.
Other names: c.1204-6C>T (NM_001363606.2); c.1222-6C>T (NM_001297553.2).
Identifiers: ClinVar variation 3058035 (VCV003058035.2), dbSNP rs1347978711, ClinGen allele CA603484882.

ClinVar aggregate classification (germline): Likely benign (0 of 4 stars; one submission).

Conditions:
CHD4-related disorder. Also called: CHD4-related condition.

Allele frequency attached by ClinVar (database versions not stated): gnomAD exomes below 0.00001; gnomAD 0.00002; TOPMed 0.00003.
gnomAD v4.1: 7 of 1,613,834 alleles (0.00043%); highest among the groups gnomAD compares: Admixed American, 0.0083%; no homozygotes.

Submission:

PreventionGenetics, part of Exact Sciences
Classification: Likely benign for CHD4-related condition. Last evaluated: 2019-03-06. Review status: no assertion criteria provided. Collection method: clinical testing. Allele origin: germline.
Comment: This variant is classified as likely benign based on ACMG/AMP sequence variant interpretation guidelines (Richards et al. 2015 PMID: 25741868, with internal and published modifications).